The following is an entry in ClinVar:

ClinVar aggregate classification (germline): Uncertain significance (1 of 4 stars; one submission).

Conditions:
ARID5B-related disorder. Also called: ARID5B-related condition.

Submission:

PreventionGenetics, part of Exact Sciences
Classification: Uncertain significance for ARID5B-related condition. Last evaluated: 2026-06-28. Review status: criteria provided, single submitter. Criteria: ACMG Guidelines, 2015. Collection method: clinical testing. Allele origin: germline.
Comment: The ARID5B c.202C>T variant is predicted to result in premature protein termination (p.Gln68*). To our knowledge, this variant has not been reported in the literature or in a large population database (gnomAD), indicating this variant is rare. Loss of function is not an established mechanism of ARID5B-related disease. At this time, the clinical significance of this variant is uncertain due to the absence of conclusive functional and genetic evidence.

NM_032199.3(ARID5B):c.202C>T (p.Gln68Ter)

Gene: ARID5B (AT-rich interaction domain 5B; plus strand). Cytogenetic location: 10q21.2.
Variant type: single nucleotide variant.
Coding change: c.202C>T on transcript NM_032199.3 (MANE Select); coding-DNA position 202, C replaced by T.
Protein change: p.Gln68Ter; replaces glutamine 68 with a stop codon.
Molecular consequence: nonsense.
Genome position (GRCh38, 1-based): chr10:61,902,339, C>T. VCF-style: chr10-61902339-C-T. GRCh37 (hg19) VCF-style: chr10-63662098-C-T.
Other names: short protein forms Q68*.
Identifiers: ClinVar variation 4992499 (VCV004992499.1).